The following is an entry in ClinVar:

NM_000443.4(ABCB4):c.1646G>A (p.Arg549His)

Gene: ABCB4 (ATP binding cassette subfamily B member 4; minus strand). Cytogenetic location: 7q21.12.
Variant type: single nucleotide variant.
Coding change: c.1646G>A on transcript NM_000443.4 (MANE Select); coding-DNA position 1646, G replaced by A.
Protein change: p.Arg549His; replaces arginine 549 with histidine.
Molecular consequence: missense variant.
Genome position (GRCh38, 1-based): chr7:87,439,752, C>T on the plus strand (G>A on the coding strand, the complement: ABCB4 is on the minus strand). VCF-style: chr7-87439752-C-T. GRCh37 (hg19) VCF-style: chr7-87069068-C-T.
Other names: c.1646G>A (NM_000443.3); c.1646G>A, p.Arg549His (NM_018849.3, NM_018850.3); short protein forms R549H.
Identifiers: ClinVar variation 502568 (VCV000502568.10), dbSNP rs761238221, ClinGen allele CA4327250.

ClinVar aggregate classification (germline): Uncertain significance. Review status: criteria provided, multiple submitters, no conflicts (2 of 4 stars). 5 submissions from 5 submitters: Uncertain significance (5). Last evaluated 2026-04-14.

Conditions:
Low phospholipid associated cholelithiasis (GBD1). Also called: Gallstone cholecystitis; Gallbladder disease 1. Identifiers: Orphanet 69663, MedGen C2609268, MONDO:0010939, OMIM 600803.
ABCB4-related disorder. Also called: ABCB4-related disorders; ABCB4-related condition.
Familial intrahepatic cholestasis. Identifiers: Orphanet 284385, MedGen CN296401, MONDO:0017290.

Allele frequency attached by ClinVar (database versions not stated): gnomAD 0.00001; TOPMed 0.00001; ExAC 0.00005.
gnomAD v4.1: 17 of 1,613,996 alleles (0.0011%); highest among the groups gnomAD compares: Middle Eastern, 0.099%; 1 homozygote.

Submissions (5):

Genomenon, Inc
Classification: Uncertain significance for Familial intrahepatic cholestasis; Low phospholipid associated cholelithiasis. Last evaluated: 2026-04-14. Review status: criteria provided, single submitter. Criteria: Genomenon Sequence Variant Interpretation Standards - Updated. Collection method: curation. Allele origin: germline. Affected: yes.
Comment: ABCB4 p.Arg549His (c.1646G>A) is a missense variant that changes the amino acid at residue 549 from Arginine to Histidine. This variant has been observed in at least one proband with an ABCB4-related disorder (PMID:28733223;23533021;16696816). It is absent or not present at a significant frequency in gnomAD. In silico models predict that this variant is possibly or probably damaging. In conclusion, we classify ABCB4 p.Arg549His (c.1646G>A) as a variant of uncertain significance.

PreventionGenetics, part of Exact Sciences
Classification: Uncertain significance for ABCB4-related condition. Last evaluated: 2025-05-20. Review status: criteria provided, single submitter. Criteria: ACMG Guidelines, 2015. Collection method: clinical testing. Allele origin: germline.
Comment: The ABCB4 c.1646G>A variant is predicted to result in the amino acid substitution p.Arg549His. This variant was reported in the heterozygous state in 3 individuals with cholestasis (Poupon et al. 2013. PubMed ID: 23533021; Dröge et al. 2017. PubMed ID: 28733223, Table S3) and in an individual with intrahepatic cholestasis of pregnancy (Floreani et al. 2006. PubMed ID: 16696816). A different nucleotide substitution affecting the same amino acid (p.Arg549Cys) has been reported in the compound heterozygous state in an individual with cholestasis (Hakim et al. 2019. PubMed ID: 31000363). This variant is reported in 0.0053% of alleles in individuals of European (Non-Finnish) descent in gnomAD and interpreted as a variant of uncertain significance in ClinVar. At this time, the clinical significance of this variant is uncertain due to the absence of conclusive functional and genetic evidence.

Labcorp Genetics (formerly Invitae), Labcorp
Classification: Uncertain significance. Last evaluated: 2024-12-24. Review status: criteria provided, single submitter. Criteria: Invitae Variant Classification Sherloc (09022015). Collection method: clinical testing. Allele origin: germline.
Comment: This sequence change replaces arginine, which is basic and polar, with histidine, which is basic and polar, at codon 549 of the ABCB4 protein (p.Arg549His). This variant is present in population databases (rs761238221, gnomAD 0.003%), including at least one homozygous and/or hemizygous individual. This missense change has been observed in individual(s) with clinical features of ABCB4-related conditions (PMID: 16696816, 23533021, 28733223). ClinVar contains an entry for this variant (Variation ID: 502568). Invitae Evidence Modeling of protein sequence and biophysical properties (such as structural, functional, and spatial information, amino acid conservation, physicochemical variation, residue mobility, and thermodynamic stability) indicates that this missense variant is expected to disrupt ABCB4 protein function with a positive predictive value of 80%. In summary, the available evidence is currently insufficient to determine the role of this variant in disease. Therefore, it has been classified as a Variant of Uncertain Significance.

Victorian Clinical Genetics Services, Murdoch Childrens Research Institute
Classification: Uncertain significance for Low phospholipid associated cholelithiasis. Last evaluated: 2022-02-02. Review status: criteria provided, single submitter. Criteria: ACMG Guidelines, 2015. Collection method: clinical testing. Allele origin: germline.
Comment: Based on the classification scheme VCGS_Germline_v1.3.4, this variant is classified as a VUS-3A. Following criteria are met: 0102 - Loss of function is a known mechanism of disease in this gene and is associated with intrahepatic cholestasis of pregnancy 3 (ICP-3) (MIM#614972), gallbladder disease 1 (low phospholipid-associated cholelithiasis (LPAC)) (MIM# 600803) and progressive familial intrahepatic cholestasis 3 (PFIC) (MIM#602347). (I) 0108 - This gene is associated with both recessive and dominant disease. PFIC is inherited in a recessive manner, whereas ICP-3 and LPAC can be either dominant or recessive. Biallelic variants typically demonstrate less residual protein activity, resulting in earlier onset of the condition with a more severe phenotype (OMIM, PMID: 24806754, PMID: 32376413). (I) 0200 - Variant is predicted to result in a missense amino acid change from arginine to histidine. (I) 0251 - This variant is heterozygous. (I) 0302 - Variant is present in gnomAD (v2) <0.001 for a dominant condition (7 heterozygotes, 1 homozygote). (SP) 0309 - An alternative amino acid change at the same position has been observed in gnomAD (v2) (2 heterozygotes, 0 homozygotes). (I) 0502 - Missense variant with conflicting in silico predictions and uninformative conservation. (I) 0600 - Variant is located in the annotated ABC transporter 1 domain (Decipher). (I) 0704 - Another missense variant comparable to the one identified in this case has limited previous evidence for pathogenicity. An alternative change to a cysteine has been reported as likely pathogenic in a heterozygous individual with unexplained cholestasis and also reported in a compound heterozygous individual with idiopathic liver disease (PMID: 29304564, 31000363). (SP) 0808 - Previous reports of pathogenicity for this variant are conflicting. This variant has been reported in one heterozygous individual with intrahepatic cholestasis of pregnancy and another heterozygous individual with low phospholipid-associated cholelithiasis (PMID: 16696816, 23533021). It has also been reported once as a VUS in ClinVar. (I) 0905 - No published segregation evidence has been identified for this variant. (I) 1007 - No published functional evidence has been identified for this variant. (I) 1208 - Inheritance information for this variant is not currently available in this individual. (I) Legend: (SP) - Supporting pathogenic, (I) - Information, (SB) - Supporting benign

Eurofins Ntd Llc (ga)
Classification: Uncertain significance. Last evaluated: 2018-06-27. Review status: criteria provided, single submitter. Criteria: EGL ClinVar v180209 classification definitions. Collection method: clinical testing. Allele origin: germline. Observed: 3 variant alleles, 2 heterozygotes, 1 homozygote.

Literature cited by the submitters: PubMed 28733223 (cited by Genomenon, Inc and Labcorp Genetics (formerly Invitae), Labcorp); PubMed 23533021 (cited by 3 submitters); PubMed 16696816 (cited by 3 submitters); PubMed 24806754 (cited by Victorian Clinical Genetics Services, Murdoch Childrens Research Institute); PubMed 29304564 (cited by Victorian Clinical Genetics Services, Murdoch Childrens Research Institute); PubMed 31000363 (cited by Victorian Clinical Genetics Services, Murdoch Childrens Research Institute); PubMed 32376413 (cited by Victorian Clinical Genetics Services, Murdoch Childrens Research Institute).